The following is an entry in ClinVar:

NC_000014.8:g.(?_37641466)_(37641555_?)del

Gene: SLC25A21 (solute carrier family 25 member 21; minus strand). Cytogenetic location: 14q13.3.
Variant type: Deletion.
Identifiers: ClinVar variation 1450430 (VCV001450430.5).

ClinVar aggregate classification (germline): Uncertain significance (1 of 4 stars; one submission).

Submission:

Labcorp Genetics (formerly Invitae), Labcorp
Classification: Uncertain significance. Last evaluated: 2023-11-29. Review status: criteria provided, single submitter. Criteria: Invitae Variant Classification Sherloc (09022015). Collection method: clinical testing. Allele origin: germline.
Comment: This variant is a gross deletion of the genomic region encompassing exon(s) 1 of the SLC25A21 gene, which includes the initiator codon. This deletion extends beyond the assayed region for this gene and therefore may encompass additional genes. It is expected to result in an absent or disrupted protein product. However, the current clinical and genetic evidence is not sufficient to establish whether loss-of-function variants in SLC25A21 cause disease. This variant has not been reported in the literature in individuals affected with SLC25A21-related conditions. In summary, the available evidence is currently insufficient to determine the role of this variant in disease. Therefore, it has been classified as a Variant of Uncertain Significance.